The following is an entry in ClinVar:

ClinVar aggregate classification (germline): Uncertain significance (1 of 4 stars; one submission).

Submission:

Ambry Genetics
Classification: Uncertain significance. Last evaluated: 2024-11-25. Review status: criteria provided, single submitter. Criteria: Ambry Variant Classification Scheme 2023. Collection method: clinical testing. Allele origin: germline.
Comment: The p.D516H variant (also known as c.1546G>C), located in coding exon 16 of the KIF1B gene, results from a G to C substitution at nucleotide position 1546. The aspartic acid at codon 516 is replaced by histidine, an amino acid with similar properties. This amino acid position is conserved. In addition, the in silico prediction for this alteration is inconclusive. Based on the available evidence, the clinical significance of this variant remains unclear.

NM_001365951.3(KIF1B):c.1684G>C (p.Asp562His)

Gene: KIF1B (kinesin family member 1B; plus strand). Cytogenetic location: 1p36.22.
Variant type: single nucleotide variant.
Coding change: c.1684G>C on transcript NM_001365951.3 (MANE Select); coding-DNA position 1684, G replaced by C.
Protein change: p.Asp562His; replaces aspartic acid 562 with histidine.
Molecular consequence: missense variant.
Genome position (GRCh38, 1-based): chr1:10,295,673, G>C. VCF-style: chr1-10295673-G-C. GRCh37 (hg19) VCF-style: chr1-10355731-G-C.
Other names: c.1684G>C, p.Asp562His (NM_001365952.1); c.1546G>C, p.Asp516His (NM_001365953.1, NM_015074.3, NM_183416.4); short protein forms D516H, D562H.
Identifiers: ClinVar variation 3534093 (VCV003534093.1).